The following is an entry in ClinVar:

ClinVar aggregate classification (germline): Likely benign. Review status: criteria provided, single submitter (1 of 4 stars). 2 submissions from 2 submitters: Likely benign (1). 1 of the submissions does not count toward it. Last evaluated 2026-01-09.

Conditions:
CTDP1-related disorder. Also called: CTDP1-related condition.

Allele frequency attached by ClinVar (database versions not stated): ExAC 0.00005.
gnomAD v4.1: 47 of 1,613,396 alleles (0.0029%); highest among the groups gnomAD compares: East Asian, 0.013%; no homozygotes.

Submissions (2):

Women's Health and Genetics/Laboratory Corporation of America, LabCorp
Classification: Likely benign. Last evaluated: 2026-01-09. Review status: criteria provided, single submitter. Criteria: LabCorp Variant Classification Summary - May 2015. Collection method: clinical testing. Allele origin: germline.

PreventionGenetics, part of Exact Sciences
Classification: Likely benign for CTDP1-related condition. Last evaluated: 2019-03-22. Review status: no assertion criteria provided. Collection method: clinical testing. Allele origin: germline. Not counted in ClinVar's aggregate classification.
Comment: This variant is classified as likely benign based on ACMG/AMP sequence variant interpretation guidelines (Richards et al. 2015 PMID: 25741868, with internal and published modifications).

NM_004715.5(CTDP1):c.1692G>A (p.Ser564=)

Gene: CTDP1 (CTD phosphatase subunit 1; plus strand). Cytogenetic location: 18q23.
Variant type: single nucleotide variant.
Coding change: c.1692G>A on transcript NM_004715.5 (MANE Select); coding-DNA position 1692, G replaced by A.
Protein change: p.Ser564=; no amino-acid change (serine 564 retained).
Molecular consequence: synonymous variant.
Genome position (GRCh38, 1-based): chr18:79,715,152, G>A. VCF-style: chr18-79715152-G-A. GRCh37 (hg19) VCF-style: chr18-77475152-G-A.
Other names: c.1335G>A, p.Ser445= (NM_001202504.1); c.1692G>A, p.Ser564= (NM_001318511.2, NM_048368.4).
Identifiers: ClinVar variation 3047246 (VCV003047246.3), dbSNP rs780965621, ClinGen allele CA9010365.
Genomic context (GRCh38, chr18:79,715,152, plus strand): 5'-GGGCAACGGCTGTGCCGACAGGAAGGAGGCGGAGACCGAGTCACAGAACAGCGAGCTGTC[G>A]GGGGTCACTGCGGGTGAGTCCCTGGACCAGAGCATGGAGGAGGAGGAGGAGGAGGACACG-3'
Protein context (NP_004706.3, residues 554-574): AETESQNSEL[Ser564=]GVTAGESLDQ